The following is an entry in ClinVar:

NM_004655.4(AXIN2):c.1314A>G (p.Ile438Met)

Gene: AXIN2 (axin 2; minus strand). Cytogenetic location: 17q24.1.
Variant type: single nucleotide variant.
Coding change: c.1314A>G on transcript NM_004655.4 (MANE Select); coding-DNA position 1314, A replaced by G.
Protein change: p.Ile438Met; replaces isoleucine 438 with methionine.
Molecular consequence: missense variant.
Genome position (GRCh38, 1-based): chr17:65,537,722, T>C on the plus strand (A>G on the coding strand, the complement: AXIN2 is on the minus strand). VCF-style: chr17-65537722-T-C. GRCh37 (hg19) VCF-style: chr17-63533840-T-C.
Other names: c.1314A>G, p.Ile438Met (NM_001363813.1); short protein forms I438M.
Identifiers: ClinVar variation 4824627 (VCV004824627.1).

ClinVar aggregate classification (germline): Uncertain significance (1 of 4 stars; one submission).

Conditions:
Hereditary cancer-predisposing syndrome. Also called: Neoplastic Syndromes, Hereditary; Hereditary neoplastic syndrome; Tumor predisposition; Hereditary Cancer Syndrome. Identifiers: Orphanet 140162, MedGen C0027672, MeSH D009386, MONDO:0015356.

Submission:

Ambry Genetics
Classification: Uncertain significance for Hereditary cancer-predisposing syndrome. Last evaluated: 2026-02-16. Review status: criteria provided, single submitter. Criteria: Ambry Variant Classification Scheme 2023. Collection method: clinical testing. Allele origin: germline.
Comment: The p.I438M variant (also known as c.1314A>G), located in coding exon 5 of the AXIN2 gene, results from an A to G substitution at nucleotide position 1314. The isoleucine at codon 438 is replaced by methionine, an amino acid with highly similar properties. This amino acid position is conserved. In addition, the in silico prediction for this alteration is inconclusive. Based on the available evidence, the clinical significance of this variant remains unclear.